The following is an entry in ClinVar:

NM_000548.5(TSC2):c.4157G>A (p.Ser1386Asn)

Gene: TSC2 (TSC complex subunit 2; plus strand). Cytogenetic location: 16p13.3.
Variant type: single nucleotide variant.
Coding change: c.4157G>A on transcript NM_000548.5 (MANE Select); coding-DNA position 4157, G replaced by A.
Protein change: p.Ser1386Asn; replaces serine 1386 with asparagine.
Molecular consequence: missense variant.
Genome position (GRCh38, 1-based): chr16:2,084,379, G>A. VCF-style: chr16-2084379-G-A. GRCh37 (hg19) VCF-style: chr16-2134380-G-A.
Other names: c.3956G>A, p.Ser1319Asn (NM_001077183.3); c.4088G>A, p.Ser1363Asn (NM_001114382.3); c.3848G>A, p.Ser1283Asn (NM_001318827.2); c.3812G>A, p.Ser1271Asn (NM_001318829.2); c.3425G>A, p.Ser1142Asn (NM_001318831.2); c.3989G>A, p.Ser1330Asn (NM_001318832.2); c.3959G>A, p.Ser1320Asn (NM_001363528.2); c.4025G>A, p.Ser1342Asn (NM_001370404.1); and 1 more; short protein forms S1386N, S1142N, S1271N, S1319N, S1320N, S1342N, S1363N, S1283N.
Identifiers: ClinVar variation 468068 (VCV000468068.11), dbSNP rs1555514071, ClinGen allele CA394299699.
Genomic context (GRCh38, chr16:2,084,379, plus strand): 5'-AGGGTGGCCGGCCCTCTGTGGACCTCTCCTTCCAGCCCTCGCAGCCCCTGAGCAAGTCCA[G>A]CTCCTCTCCCGAGCTGCAGACTCTGCAGGACATCCTCGGGGACCCTGGGGACAAGGCCGA-3'
Protein context (NP_000539.2, residues 1376-1396): FQPSQPLSKS[Ser1386Asn]SSPELQTLQD

ClinVar aggregate classification (germline): Conflicting classifications of pathogenicity. Review status: criteria provided, conflicting classifications (1 of 4 stars). 2 submissions from 2 submitters: Uncertain significance (1); Benign (1). Last evaluated 2025-11-25.

Conditions:
Tuberous sclerosis 2 (TSC2). Identifiers: Orphanet 805, MedGen C1860707, MONDO:0013199, OMIM 613254.
Hereditary cancer-predisposing syndrome. Also called: Hereditary neoplastic syndrome; Neoplastic Syndromes, Hereditary; Tumor predisposition; Hereditary Cancer Syndrome. Identifiers: Orphanet 140162, MedGen C0027672, MeSH D009386, MONDO:0015356.

gnomAD v4.1: 4 of 1,612,466 alleles (0.00025%); highest among the groups gnomAD compares: East Asian, 0.0089%; no homozygotes.

Submissions (2):

Labcorp Genetics (formerly Invitae), Labcorp
Classification: Benign for Tuberous sclerosis 2. Last evaluated: 2025-11-25. Review status: criteria provided, single submitter. Criteria: Invitae Variant Classification Sherloc (09022015). Collection method: clinical testing. Allele origin: germline.

Ambry Genetics
Classification: Uncertain significance for Hereditary cancer-predisposing syndrome. Last evaluated: 2024-11-20. Review status: criteria provided, single submitter. Criteria: Ambry Variant Classification Scheme 2023. Collection method: clinical testing. Allele origin: germline.
Comment: The p.S1386N variant (also known as c.4157G>A), located in coding exon 33 of the TSC2 gene, results from a G to A substitution at nucleotide position 4157. The serine at codon 1386 is replaced by asparagine, an amino acid with highly similar properties. This amino acid position is highly conserved in available vertebrate species. In addition, the in silico prediction for this alteration is inconclusive. Since supporting evidence is limited at this time, the clinical significance of this alteration remains unclear.